The following is an entry in ClinVar:

NM_004304.5(ALK):c.2366T>C (p.Leu789Ser)

Gene: ALK (ALK receptor tyrosine kinase; minus strand). Cytogenetic location: 2p23.2.
Variant type: single nucleotide variant.
Coding change: c.2366T>C on transcript NM_004304.5 (MANE Select); coding-DNA position 2366, T replaced by C.
Protein change: p.Leu789Ser; replaces leucine 789 with serine.
Molecular consequence: missense variant.
Genome position (GRCh38, 1-based): chr2:29,233,686, A>G on the plus strand (T>C on the coding strand, the complement: ALK is on the minus strand). VCF-style: chr2-29233686-A-G. GRCh37 (hg19) VCF-style: chr2-29456552-A-G.
Other names: short protein forms L789S.
Identifiers: ClinVar variation 4727056 (VCV004727056.1).

ClinVar aggregate classification (germline): Uncertain significance (1 of 4 stars; one submission).

Conditions:
Neuroblastoma, susceptibility to, 3. Also called: ALK-Related Neuroblastic Tumor Susceptibility. Identifiers: Orphanet 635, MedGen C2751681, MONDO:0013083, OMIM 613014.

Submission:

Labcorp Genetics (formerly Invitae), Labcorp
Classification: Uncertain significance for Neuroblastoma, susceptibility to, 3. Last evaluated: 2025-09-12. Review status: criteria provided, single submitter. Criteria: Invitae Variant Classification Sherloc (09022015). Collection method: clinical testing. Allele origin: germline.
Comment: This sequence change replaces leucine, which is neutral and non-polar, with serine, which is neutral and polar, at codon 789 of the ALK protein (p.Leu789Ser). This variant is not present in population databases (gnomAD no frequency). This variant has not been reported in the literature in individuals affected with ALK-related conditions. An algorithm developed to predict the effect of missense changes on protein structure and function (PolyPhen-2) suggests that this variant is likely to be disruptive. In summary, the available evidence is currently insufficient to determine the role of this variant in disease. Therefore, it has been classified as a Variant of Uncertain Significance.